The following is an entry in ClinVar:

NM_000400.4(ERCC2):c.1640G>A (p.Ser547Asn)

Gene: ERCC2 (ERCC excision repair 2, TFIIH core complex helicase subunit; minus strand). Cytogenetic location: 19q13.32.
Variant type: single nucleotide variant.
Coding change: c.1640G>A on transcript NM_000400.4 (MANE Select); coding-DNA position 1640, G replaced by A.
Protein change: p.Ser547Asn; replaces serine 547 with asparagine.
Molecular consequence: missense variant.
Genome position (GRCh38, 1-based): chr19:45,354,755, C>T on the plus strand (G>A on the coding strand, the complement: ERCC2 is on the minus strand). VCF-style: chr19-45354755-C-T. GRCh37 (hg19) VCF-style: chr19-45858013-C-T.
Other names: short protein forms S547N.
Identifiers: ClinVar variation 2452366 (VCV002452366.2), dbSNP rs2514006138, ClinGen allele CA406365234.
Genomic context (GRCh38, chr19:45,354,755, plus strand): 5'-GAGAGCAGGTGCAGGGAGGGGGTGGCCAGGCGTACCTGCTCATACCAGGAGGCCACGGTG[C>T]TCTCCATGTACTGGTAGCTGGTGAAGAAGGCCACGATGCCATCAGGGACCACAGCGGACA-3'
Protein context (NP_000391.1, residues 537-557): AFFTSYQYME[Ser547Asn]TVASWYEQGI

ClinVar aggregate classification (germline): Uncertain significance (1 of 4 stars; one submission).

Conditions:
Inborn genetic diseases. Identifiers: MedGen C0950123, MeSH D030342.

Allele frequency attached by ClinVar (database versions not stated): gnomAD exomes below 0.00001.
gnomAD v4.1: 1 of 1,614,050 alleles (0.000062%); highest among the groups gnomAD compares: Non-Finnish European, 0.000085%; no homozygotes.

Submission:

Ambry Genetics
Classification: Uncertain significance for Inborn genetic diseases. Last evaluated: 2023-01-31. Review status: criteria provided, single submitter. Criteria: Ambry Variant Classification Scheme 2023. Collection method: clinical testing. Allele origin: germline.
Comment: The p.S547N variant (also known as c.1640G>A), located in coding exon 17 of the ERCC2 gene, results from a G to A substitution at nucleotide position 1640. The serine at codon 547 is replaced by asparagine, an amino acid with highly similar properties. This amino acid position is conserved. In addition, the in silico prediction for this alteration is inconclusive. Since supporting evidence is limited at this time, the clinical significance of this alteration remains unclear.